The following is an entry in ClinVar:

ClinVar aggregate classification (germline): Likely benign (1 of 4 stars; one submission).

gnomAD v4.1: 7 of 694,724 alleles (0.001%); highest among the groups gnomAD compares: Middle Eastern, 0.093%; no homozygotes.

Submission:

CeGaT Center for Human Genetics Tuebingen
Classification: Likely benign. Last evaluated: 2025-10-01. Review status: criteria provided, single submitter. Criteria: CeGaT Center For Human Genetics Tuebingen Variant Classification Criteria Version 2. Collection method: clinical testing. Allele origin: germline. Affected: yes. Observed: 1 variant allele.
Comment: CNKSR2: BP4, BP7

NM_014927.5(CNKSR2):c.1657+120T>C

Gene: CNKSR2 (connector enhancer of kinase suppressor of Ras 2; plus strand). Cytogenetic location: Xp22.12.
Variant type: single nucleotide variant.
Coding change: c.1657+120T>C on transcript NM_014927.5 (MANE Select); 120 bases into the intron after coding-DNA position 1657, T replaced by C.
Molecular consequence: intron variant.
Genome position (GRCh38, 1-based): chrX:21,590,740, T>C. VCF-style: chrX-21590740-T-C. GRCh37 (hg19) VCF-style: chrX-21608858-T-C.
Other names: c.1567+120T>C (NM_001168647.3, NM_001330773.2); c.1510+120T>C (NM_001330770.2, NM_001168649.3); c.1420+120T>C (NM_001330772.2, NM_001330771.2); c.1657+120T>C (NM_001168648.3).
Identifiers: ClinVar variation 4534447 (VCV004534447.6).